The following is an entry in ClinVar:

ClinVar aggregate classification (germline): Uncertain significance (1 of 4 stars; one submission).

Conditions:
Hereditary cancer-predisposing syndrome. Also called: Neoplastic Syndromes, Hereditary; Tumor predisposition; Hereditary neoplastic syndrome; Hereditary Cancer Syndrome. Identifiers: Orphanet 140162, MedGen C0027672, MeSH D009386, MONDO:0015356.

gnomAD v4.1: 4 of 1,613,980 alleles (0.00025%); highest among the groups gnomAD compares: Non-Finnish European, 0.00034%; no homozygotes.

Submission:

Ambry Genetics
Classification: Uncertain significance for Hereditary cancer-predisposing syndrome. Last evaluated: 2026-09-14. Review status: criteria provided, single submitter. Criteria: Ambry Variant Classification Scheme 2023. Collection method: clinical testing. Allele origin: germline.
Comment: The p.E291Q variant (also known as c.871G>C), located in coding exon 7 of the SDHA gene, results from a G to C substitution at nucleotide position 871. The glutamic acid at codon 291 is replaced by glutamine, an amino acid with highly similar properties. This amino acid position is highly conserved in available vertebrate species. In addition, this alteration is predicted to be deleterious by in silico analysis. Based on the available evidence, the clinical significance of this variant remains unclear.

NM_004168.4(SDHA):c.871G>C (p.Glu291Gln)

Gene: SDHA (succinate dehydrogenase complex flavoprotein subunit A; plus strand). Cytogenetic location: 5p15.33.
Variant type: single nucleotide variant.
Coding change: c.871G>C on transcript NM_004168.4 (MANE Select); coding-DNA position 871, G replaced by C.
Protein change: p.Glu291Gln; replaces glutamic acid 291 with glutamine.
Molecular consequence: missense variant.
Genome position (GRCh38, 1-based): chr5:230,976, G>C. VCF-style: chr5-230976-G-C. GRCh37 (hg19) VCF-style: chr5-231091-G-C.
Other names: c.727G>C, p.Glu243Gln (NM_001294332.2); c.871G>C, p.Glu291Gln (NM_001330758.2); short protein forms E291Q, E243Q.
Identifiers: ClinVar variation 5029212 (VCV005029212.1).
Genomic context (GRCh38, chr5:230,976, plus strand): 5'-ACCAGCACTGGCGACGGCACGGCCATGATCACCAGGGCAGGCCTTCCTTGCCAGGACCTA[G>C]AGTTTGTTCAGTTCCACCCTACAGGTAGGGCAGGACGCCTTGCCCGGCAGGTGTTTGGCT-3'
Protein context (NP_004159.2, residues 281-301): TRAGLPCQDL[Glu291Gln]FVQFHPTGIY